The following is an entry in ClinVar:

ClinVar aggregate classification (germline): Uncertain significance. Review status: criteria provided, multiple submitters, no conflicts (2 of 4 stars). 2 submissions from 2 submitters: Uncertain significance (2). Last evaluated 2025-12-08.

Conditions:
Cardiovascular phenotype. Identifiers: MedGen CN230736.
Myofibrillar myopathy 5. Also called: Filaminopathy (type); FILAMINOPATHY, AUTOSOMAL DOMINANT. Identifiers: Orphanet 171445, MedGen C1836050, MONDO:0012289, OMIM 609524.
Hypertrophic cardiomyopathy 26. Also called: Cardiomyopathy, familial hypertrophic, 26. Identifiers: Orphanet 75249, MedGen C4310749, MONDO:0014883, OMIM 617047.
Distal myopathy with posterior leg and anterior hand involvement. Also called: WILLIAMS DISTAL MYOPATHY. Identifiers: Orphanet 63273, MedGen C3279722, MONDO:0013550, OMIM 614065.

Allele frequency attached by ClinVar (database versions not stated): TOPMed 0.00001.
gnomAD v4.1: 3 of 1,613,948 alleles (0.00019%); highest among the groups gnomAD compares: Non-Finnish European, 0.00025%; no homozygotes.

Submissions (2):

Labcorp Genetics (formerly Invitae), Labcorp
Classification: Uncertain significance for Distal myopathy with posterior leg and anterior hand involvement; Myofibrillar myopathy 5; Hypertrophic cardiomyopathy 26. Last evaluated: 2025-12-08. Review status: criteria provided, single submitter. Criteria: Invitae Variant Classification Sherloc (09022015). Collection method: clinical testing. Allele origin: germline.
Comment: This sequence change replaces alanine, which is neutral and non-polar, with serine, which is neutral and polar, at codon 1318 of the FLNC protein (p.Ala1318Ser). This variant is present in population databases (no rsID available, gnomAD 0.0009%). This variant has not been reported in the literature in individuals affected with FLNC-related conditions. ClinVar contains an entry for this variant (Variation ID: 810190). Invitae Evidence Modeling of protein sequence and biophysical properties (such as structural, functional, and spatial information, amino acid conservation, physicochemical variation, residue mobility, and thermodynamic stability) has been performed for this missense variant. However, the output from this modeling did not meet the statistical confidence thresholds required to predict the impact of this variant on FLNC protein function. In summary, the available evidence is currently insufficient to determine the role of this variant in disease. Therefore, it has been classified as a Variant of Uncertain Significance.

Ambry Genetics
Classification: Uncertain significance for Cardiovascular phenotype. Last evaluated: 2023-09-10. Review status: criteria provided, single submitter. Criteria: Ambry Variant Classification Scheme 2023. Collection method: clinical testing. Allele origin: germline.
Comment: The p.A1318S variant (also known as c.3952G>T), located in coding exon 22 of the FLNC gene, results from a G to T substitution at nucleotide position 3952. The alanine at codon 1318 is replaced by serine, an amino acid with similar properties. This amino acid position is conserved. In addition, the in silico prediction for this alteration is inconclusive. Since supporting evidence is limited at this time, the clinical significance of this alteration remains unclear.

NM_001458.5(FLNC):c.3952G>T (p.Ala1318Ser)

Gene: FLNC (filamin C; plus strand). Cytogenetic location: 7q32.1.
Variant type: single nucleotide variant.
Coding change: c.3952G>T on transcript NM_001458.5 (MANE Select); coding-DNA position 3952, G replaced by T.
Protein change: p.Ala1318Ser; replaces alanine 1318 with serine.
Molecular consequence: missense variant.
Genome position (GRCh38, 1-based): chr7:128,846,151, G>T. VCF-style: chr7-128846151-G-T. GRCh37 (hg19) VCF-style: chr7-128486205-G-T.
Other names: c.3952G>T, p.Ala1318Ser (NM_001127487.2); short protein forms A1318S.
Identifiers: ClinVar variation 810190 (VCV000810190.57), dbSNP rs777939926, ClinGen allele CA369198798.